The following is an entry in ClinVar:

NM_001252024.2(TRPM1):c.4013T>G (p.Leu1338Arg)

Gene: TRPM1 (transient receptor potential cation channel subfamily M member 1; minus strand). Cytogenetic location: 15q13.3.
Variant type: single nucleotide variant.
Coding change: c.4013T>G on transcript NM_001252024.2 (MANE Select); coding-DNA position 4013, T replaced by G.
Protein change: p.Leu1338Arg; replaces leucine 1338 with arginine.
Molecular consequence: missense variant.
Genome position (GRCh38, 1-based): chr15:31,002,687, A>C on the plus strand (T>G on the coding strand, the complement: TRPM1 is on the minus strand). VCF-style: chr15-31002687-A-C. GRCh37 (hg19) VCF-style: chr15-31294890-A-C.
Other names: c.4064T>G, p.Leu1355Arg (NM_001252020.2); c.3947T>G, p.Leu1316Arg (NM_002420.6); short protein forms L1316R, L1338R, L1355R.
Identifiers: ClinVar variation 1723444 (VCV001723444.1), dbSNP rs866693497, ClinGen allele CA267497041.

ClinVar aggregate classification (germline): Uncertain significance (1 of 4 stars; one submission).

Allele frequency attached by ClinVar (database versions not stated): gnomAD 0.00001; TOPMed 0.00001; gnomAD exomes 0.00008.
gnomAD v4.1: 46 of 1,614,104 alleles (0.0028%); highest among the groups gnomAD compares: Middle Eastern, 0.74%; 6 homozygotes.

Submission:

Women's Health and Genetics/Laboratory Corporation of America, LabCorp
Classification: Uncertain significance. Last evaluated: 2022-10-04. Review status: criteria provided, single submitter. Criteria: LabCorp Variant Classification Summary - May 2015. Collection method: clinical testing. Allele origin: germline.
Comment: Variant summary: TRPM1 c.3947T>G (p.Leu1316Arg) results in a non-conservative amino acid change located in the Ion transport domain (IPR005821) of the encoded protein sequence. Four of five in-silico tools predict a benign effect of the variant on protein function. The variant was absent in 249548 control chromosomes (gnomAD). c.3947T>G has been reported in the literature in at-least one homozygous individual affected with Congenital Stationary Night Blindness (example: Habib_2020). These data indicate that the variant may be associated with disease. To our knowledge, no experimental evidence demonstrating an impact on protein function has been reported. No clinical diagnostic laboratories have submitted clinical-significance assessments for this variant to ClinVar after 2014. Based on the evidence outlined above, the variant was classified as VUS-possibly pathogenic.

Literature cited by the submitters: PubMed 32641690.